The following is an entry in ClinVar:

NM_001278495.2(NUTM2B):c.2051G>A (p.Arg684Gln)

Genes: NUTM2B (NUT family member 2B; plus strand), NUTM2B-AS1 (NUTM2B antisense RNA 1; minus strand). Cytogenetic location: 10q22.3.
Variant type: single nucleotide variant.
Coding change: c.2051G>A on transcript NM_001278495.2 (MANE Select); coding-DNA position 2051, G replaced by A.
Protein change: p.Arg684Gln; replaces arginine 684 with glutamine.
Molecular consequence: missense variant.
Genome position (GRCh38, 1-based): chr10:79,711,899, G>A. VCF-style: chr10-79711899-G-A. GRCh37 (hg19) VCF-style: chr10-81471655-G-A.
Other names: short protein forms R684Q.
Identifiers: ClinVar variation 2672403 (VCV002672403.23), dbSNP rs532535523, ClinGen allele CA5574766.

ClinVar aggregate classification (germline): Likely benign (1 of 4 stars; one submission).

Allele frequency attached by ClinVar (database versions not stated): 1000 Genomes Project 30x 0.00031; 1000 Genomes Project 0.00040; ExAC 0.00098; gnomAD 0.00101.

Submission:

CeGaT Center for Human Genetics Tuebingen
Classification: Likely benign. Last evaluated: 2024-10-01. Review status: criteria provided, single submitter. Criteria: CeGaT Center For Human Genetics Tuebingen Variant Classification Criteria Version 2. Collection method: clinical testing. Allele origin: germline. Affected: yes. Observed: 2 variant alleles.
Comment: NUTM2B: PP2, BP4, BS1